The following is an entry in ClinVar:

ClinVar aggregate classification (germline): Uncertain significance (1 of 4 stars; one submission).

Submission:

Labcorp Genetics (formerly Invitae), Labcorp
Classification: Uncertain significance. Last evaluated: 2023-12-13. Review status: criteria provided, single submitter. Criteria: Invitae Variant Classification Sherloc (09022015). Collection method: clinical testing. Allele origin: germline.
Comment: This sequence change replaces glycine, which is neutral and non-polar, with arginine, which is basic and polar, at codon 341 of the COL10A1 protein (p.Gly341Arg). This variant is not present in population databases (gnomAD no frequency). This variant has not been reported in the literature in individuals affected with COL10A1-related conditions. Advanced modeling of protein sequence and biophysical properties (such as structural, functional, and spatial information, amino acid conservation, physicochemical variation, residue mobility, and thermodynamic stability) performed at Invitae indicates that this missense variant is expected to disrupt COL10A1 protein function with a positive predictive value of 80%. In summary, the available evidence is currently insufficient to determine the role of this variant in disease. Therefore, it has been classified as a Variant of Uncertain Significance.

NM_000493.4(COL10A1):c.1021G>C (p.Gly341Arg)

Genes: COL10A1 (collagen type X alpha 1 chain; minus strand), NT5DC1 (5'-nucleotidase domain containing 1; plus strand). Cytogenetic location: 6q22.1.
Variant type: single nucleotide variant.
Coding change: c.1021G>C on transcript NM_000493.4 (MANE Select); coding-DNA position 1021, G replaced by C.
Protein change: p.Gly341Arg; replaces glycine 341 with arginine.
Molecular consequence: missense variant. On other transcripts: intron variant (1).
Genome position (GRCh38, 1-based): chr6:116,121,095, C>G on the plus strand (G>C on the coding strand, the complement: COL10A1 is on the minus strand). VCF-style: chr6-116121095-C-G. GRCh37 (hg19) VCF-style: chr6-116442258-C-G.
Other names: c.1021G>C, p.Gly341Arg (NM_001424106.1, NM_001424107.1); c.529+3150C>G (NM_152729.3); short protein forms G341R.
Identifiers: ClinVar variation 2701168 (VCV002701168.3), dbSNP rs758947447, ClinGen allele CA365390794.